The following is an entry in ClinVar:

NM_001927.4(DES):c.1255C>A (p.Pro419Thr)

Gene: DES (desmin; plus strand). Cytogenetic location: 2q35.
Variant type: single nucleotide variant.
Coding change: c.1255C>A on transcript NM_001927.4 (MANE Select); coding-DNA position 1255, C replaced by A.
Protein change: p.Pro419Thr; replaces proline 419 with threonine.
Molecular consequence: missense variant.
Genome position (GRCh38, 1-based): chr2:219,423,787, C>A. VCF-style: chr2-219423787-C-A. GRCh37 (hg19) VCF-style: chr2-220288509-C-A.
Other names: c.1255C>A (LRG_380t1); short protein forms P419T.
Identifiers: ClinVar variation 474285 (VCV000474285.9), dbSNP rs62635763, ClinGen allele CA350696531.
Genomic context (GRCh38, chr2:219,423,787, plus strand): 5'-CCGATGGGAGGGTTCTTAACTCTTAGGAGGTTTTGTCTCTTCCCTTTTAGGATCAATCTC[C>A]CCATCCAGACCTACTCTGCCCTCAACTTCCGAGGTGAGTGTCTGCTGGCAGGCGGAGGCT-3'
Protein context (NP_001918.3, residues 409-429): LEGEESRINL[Pro419Thr]IQTYSALNFR

ClinVar aggregate classification (germline): Uncertain significance (1 of 4 stars; one submission).

Conditions:
Desmin-related myofibrillar myopathy (MFM1). Also called: Desminopathy; Desmin related myopathy (former name); Desmin storage myopathy (former name); Myofibrillar myopathy 1; MYOFIBRILLAR MYOPATHY WITH ARRHYTHMOGENIC RIGHT VENTRICULAR CARDIOMYOPATHY; DESMIN-RELATED MYOPATHY WITH ARRHYTHMOGENIC RIGHT VENTRICULAR CARDIOMYOPATHY. Identifiers: Orphanet 363543, Orphanet 98909, MedGen C1832370, MONDO:0011076, OMIM 601419.

Submission:

Labcorp Genetics (formerly Invitae), Labcorp
Classification: Uncertain significance for Desmin-related myofibrillar myopathy. Last evaluated: 2025-08-18. Review status: criteria provided, single submitter. Criteria: Invitae Variant Classification Sherloc (09022015). Collection method: clinical testing. Allele origin: germline.
Comment: This sequence change replaces proline, which is neutral and non-polar, with threonine, which is neutral and polar, at codon 419 of the DES protein (p.Pro419Thr). This variant is not present in population databases (gnomAD no frequency). This variant has not been reported in the literature in individuals affected with DES-related conditions. ClinVar contains an entry for this variant (Variation ID: 474285). Invitae Evidence Modeling of protein sequence and biophysical properties (such as structural, functional, and spatial information, amino acid conservation, physicochemical variation, residue mobility, and thermodynamic stability) has been performed for this missense variant. However, the output from this modeling did not meet the statistical confidence thresholds required to predict the impact of this variant on DES protein function. This variant disrupts the p.Pro419 amino acid residue in DES. Other variant(s) that disrupt this residue have been determined to be pathogenic (PMID: 17418574, 21676617, 22395865, 23639843). This suggests that this residue is clinically significant, and that variants that disrupt this residue are likely to be disease-causing. In summary, the available evidence is currently insufficient to determine the role of this variant in disease. Therefore, it has been classified as a Variant of Uncertain Significance.

Literature cited by the submitters: PubMed 17418574; PubMed 21676617; PubMed 22395865; PubMed 23639843.